The following is an entry in ClinVar:

NM_005475.3(SH2B3):c.518C>T (p.Pro173Leu)

Gene: SH2B3 (SH2B adaptor protein 3; plus strand). Cytogenetic location: 12q24.12.
Variant type: single nucleotide variant.
Coding change: c.518C>T on transcript NM_005475.3 (MANE Select); coding-DNA position 518, C replaced by T.
Protein change: p.Pro173Leu; replaces proline 173 with leucine.
Molecular consequence: missense variant.
Genome position (GRCh38, 1-based): chr12:111,418,663, C>T. VCF-style: chr12-111418663-C-T. GRCh37 (hg19) VCF-style: chr12-111856467-C-T.
Other names: short protein forms P173L.
Identifiers: ClinVar variation 3795080 (VCV003795080.1).

ClinVar aggregate classification (germline): Uncertain significance (1 of 4 stars; one submission).

Conditions:
Inborn genetic diseases. Identifiers: MedGen C0950123, MeSH D030342.

Submission:

Ambry Genetics
Classification: Uncertain significance for Inborn genetic diseases. Last evaluated: 2025-01-06. Review status: criteria provided, single submitter. Criteria: Ambry Variant Classification Scheme 2023. Collection method: clinical testing. Allele origin: germline.
Comment: The p.P173L variant (also known as c.518C>T), located in coding exon 1 of the SH2B3 gene, results from a C to T substitution at nucleotide position 518. The proline at codon 173 is replaced by leucine, an amino acid with similar properties. This amino acid position is conserved. In addition, this alteration is predicted to be tolerated by in silico analysis. Based on the available evidence, the clinical significance of this variant remains unclear.